The following is an entry in ClinVar:

NM_004463.3(FGD1):c.1695+1G>A

Gene: FGD1 (FYVE, RhoGEF and PH domain containing 1; minus strand). Cytogenetic location: Xp11.22.
Variant type: single nucleotide variant.
Coding change: c.1695+1G>A on transcript NM_004463.3 (MANE Select); the canonical splice donor site of the intron after coding-DNA position 1695, G replaced by A.
Molecular consequence: splice donor variant.
Genome position (GRCh38, 1-based): chrX:54,456,508, C>T on the plus strand (G>A on the coding strand, the complement: FGD1 is on the minus strand). VCF-style: chrX-54456508-C-T. GRCh37 (hg19) VCF-style: chrX-54482941-C-T.
Identifiers: ClinVar variation 931968 (VCV000931968.3), dbSNP rs1922506770, ClinGen allele CA413360461.

ClinVar aggregate classification (germline): Pathogenic (1 of 4 stars; one submission).

Conditions:
Aarskog syndrome (AAS). Also called: Aarskog Scott syndrome; Aarskog disease; FGD1-Related Faciogenital Dysplasia (Aarskog-Scott Syndrome); FGDY; Aarskog-Scott syndrome, X-linked. Identifiers: Orphanet 915, MedGen C0175701, MONDO:0010589, OMIM 305400.

Submission:

Centre for Mendelian Genomics, University Medical Centre Ljubljana
Classification: Pathogenic for Aarskog syndrome. Last evaluated: 2018-11-14. Review status: criteria provided, single submitter. Criteria: ACMG Guidelines, 2015. Collection method: clinical testing. Allele origin: unknown. Affected: yes.
Comment: This variant was classified as: Pathogenic. The following ACMG criteria were applied in classifying this variant: PVS1,PM2,PP3. This variant was detected in hemizygous state.